The following is an entry in ClinVar:

ClinVar aggregate classification (germline): Uncertain significance (1 of 4 stars; one submission).

Conditions:
Mitochondrial DNA depletion syndrome 20 (mngie type). Also called: MITOCHONDRIAL NEUROGASTROINTESTINAL ENCEPHALOMYOPATHY SYNDROME, LIG3-RELATED. Identifiers: MedGen C5676934, MONDO:0030696, OMIM 619780.

Allele frequency attached by ClinVar (database versions not stated): gnomAD exomes 0.00001; gnomAD 0.00002; TOPMed 0.00002; ExAC 0.00008; ESP Exome Variant Server 0.00008.
gnomAD v4.1: 23 of 1,613,974 alleles (0.0014%); highest among the groups gnomAD compares: Non-Finnish European, 0.0017%; no homozygotes.

Submission:

Neuberg Centre For Genomic Medicine, NCGM
Classification: Uncertain significance for Mitochondrial DNA depletion syndrome 20 (mngie type). Review status: criteria provided, single submitter. Criteria: ACMG Guidelines, 2015. Collection method: clinical testing. Allele origin: germline. Inheritance: Autosomal recessive inheritance. Affected: yes.
Comment: The missense variant c.967G>A (p.Asp323Asn) in LIG3 gene has not been reported previously as a pathogenic variant nor as a benign variant, to our knowledge. This p.Asp323Asn variant has allele frequency of 0.0035% in the gnomAD and novel (not in any individuals) in 1000 genome database. The amino acid Asp at position 323 is changed to a Asn changing protein sequence and it might alter its composition and physico-chemical properties. For these reasons, this variant has been classified as Uncertain Significance (VUS).

NM_013975.4(LIG3):c.967G>A (p.Asp323Asn)

Gene: LIG3 (DNA ligase 3; plus strand). Cytogenetic location: 17q12.
Variant type: single nucleotide variant.
Coding change: c.967G>A on transcript NM_013975.4 (MANE Select); coding-DNA position 967, G replaced by A.
Protein change: p.Asp323Asn; replaces aspartic acid 323 with asparagine.
Molecular consequence: missense variant.
Genome position (GRCh38, 1-based): chr17:34,991,040, G>A. VCF-style: chr17-34991040-G-A. GRCh37 (hg19) VCF-style: chr17-33318059-G-A.
Other names: c.967G>A, p.Asp323Asn (NM_002311.5); short protein forms D323N.
Identifiers: ClinVar variation 2584977 (VCV002584977.1), dbSNP rs148073351, ClinGen allele CA8498220.